The following is an entry in ClinVar:

ClinVar aggregate classification (germline): Conflicting classifications of pathogenicity. Review status: criteria provided, conflicting classifications (1 of 4 stars). 3 submissions from 3 submitters: Uncertain significance (1); Likely benign (1). 1 of the submissions does not count toward it. Last evaluated 2025-08-21.

Conditions:
Inborn genetic diseases. Identifiers: MedGen C0950123, MeSH D030342.
TRRAP-related disorder. Also called: TRRAP-related condition.

Allele frequency attached by ClinVar (database versions not stated): gnomAD 0.00001; TOPMed 0.00001; ExAC 0.00003; ESP Exome Variant Server 0.00008.
gnomAD v4.1: 30 of 1,610,038 alleles (0.0019%); highest among the groups gnomAD compares: Admixed American, 0.0051%; no homozygotes.

Submissions (3):

Labcorp Genetics (formerly Invitae), Labcorp
Classification: Uncertain significance. Last evaluated: 2025-08-21. Review status: criteria provided, single submitter. Criteria: Invitae Variant Classification Sherloc (09022015). Collection method: clinical testing. Allele origin: germline.
Comment: This sequence change replaces alanine, which is neutral and non-polar, with threonine, which is neutral and polar, at codon 1602 of the TRRAP protein (p.Ala1602Thr). This variant is present in population databases (rs375589920, gnomAD 0.004%). This variant has not been reported in the literature in individuals affected with TRRAP-related conditions. ClinVar contains an entry for this variant (Variation ID: 1929883). An algorithm developed to predict the effect of missense changes on protein structure and function outputs the following: PolyPhen-2: "Benign". The threonine amino acid residue is found in multiple mammalian species, which suggests that this missense change does not adversely affect protein function. In summary, the available evidence is currently insufficient to determine the role of this variant in disease. Therefore, it has been classified as a Variant of Uncertain Significance.

Ambry Genetics
Classification: Likely benign for Inborn genetic diseases. Last evaluated: 2025-08-08. Review status: criteria provided, single submitter. Criteria: Ambry Variant Classification Scheme 2023. Collection method: clinical testing. Allele origin: germline.

PreventionGenetics, part of Exact Sciences
Classification: Uncertain significance for TRRAP-related condition. Last evaluated: 2024-05-13. Review status: no assertion criteria provided. Collection method: clinical testing. Allele origin: germline. Not counted in ClinVar's aggregate classification.
Comment: The TRRAP c.4804G>A variant is predicted to result in the amino acid substitution p.Ala1602Thr. To our knowledge, this variant has not been reported in the literature. This variant is reported in 0.0039% of alleles in individuals of European (Non-Finnish) descent in gnomAD. At this time, the clinical significance of this variant is uncertain due to the absence of conclusive functional and genetic evidence.

NM_001375524.1(TRRAP):c.4879G>A (p.Ala1627Thr)

Gene: TRRAP (transformation/transcription domain associated protein; plus strand). Cytogenetic location: 7q22.1.
Variant type: single nucleotide variant.
Coding change: c.4879G>A on transcript NM_001375524.1 (MANE Select); coding-DNA position 4879, G replaced by A.
Protein change: p.Ala1627Thr; replaces alanine 1627 with threonine.
Molecular consequence: missense variant.
Genome position (GRCh38, 1-based): chr7:98,949,507, G>A. VCF-style: chr7-98949507-G-A. GRCh37 (hg19) VCF-style: chr7-98547130-G-A.
Other names: c.4858G>A (NM_001244580.1); c.4858G>A, p.Ala1620Thr (NM_001244580.2); c.4804G>A, p.Ala1602Thr (NM_003496.4); c.4804G>A (NM_003496.3); short protein forms A1627T, A1620T, A1602T.
Identifiers: ClinVar variation 1929883 (VCV001929883.7), dbSNP rs375589920, ClinGen allele CA4360403.